The following is an entry in ClinVar:

NM_002381.5(MATN3):c.620C>G (p.Ala207Gly)

Gene: MATN3 (matrilin 3; minus strand). Cytogenetic location: 2p24.1.
Variant type: single nucleotide variant.
Coding change: c.620C>G on transcript NM_002381.5 (MANE Select); coding-DNA position 620, C replaced by G.
Protein change: p.Ala207Gly; replaces alanine 207 with glycine.
Molecular consequence: missense variant.
Genome position (GRCh38, 1-based): chr2:20,005,914, G>C on the plus strand (C>G on the coding strand, the complement: MATN3 is on the minus strand). VCF-style: chr2-20005914-G-C. GRCh37 (hg19) VCF-style: chr2-20205675-G-C.
Other names: short protein forms A207G.
Identifiers: ClinVar variation 2800822 (VCV002800822.3), dbSNP rs775138248, ClinGen allele CA345950714.

ClinVar aggregate classification (germline): Uncertain significance (1 of 4 stars; one submission).

gnomAD v4.1: 3 of 1,612,858 alleles (0.00019%); highest among the groups gnomAD compares: Admixed American, 0.0017%; no homozygotes.

Submission:

Labcorp Genetics (formerly Invitae), Labcorp
Classification: Uncertain significance. Last evaluated: 2023-10-05. Review status: criteria provided, single submitter. Criteria: Invitae Variant Classification Sherloc (09022015). Collection method: clinical testing. Allele origin: germline.
Comment: This sequence change replaces alanine, which is neutral and non-polar, with glycine, which is neutral and non-polar, at codon 207 of the MATN3 protein (p.Ala207Gly). This variant is present in population databases (no rsID available, gnomAD 0.003%). This variant has not been reported in the literature in individuals affected with MATN3-related conditions. Advanced modeling of protein sequence and biophysical properties (such as structural, functional, and spatial information, amino acid conservation, physicochemical variation, residue mobility, and thermodynamic stability) performed at Invitae indicates that this missense variant is expected to disrupt MATN3 protein function. In summary, the available evidence is currently insufficient to determine the role of this variant in disease. Therefore, it has been classified as a Variant of Uncertain Significance.